The following is an entry in ClinVar:

NC_000012.12:g.(?_132632295)_(132687335_?)dup

Gene: POLE (DNA polymerase epsilon, catalytic subunit; minus strand). Cytogenetic location: 12q24.33.
Variant type: Duplication.
Identifiers: ClinVar variation 832617 (VCV000832617.1).

ClinVar aggregate classification (germline): Uncertain significance (1 of 4 stars; one submission).

Conditions:
Colorectal cancer, susceptibility to, 12 (CRCS12). Also called: COLORECTAL CANCER, SUSCEPTIBILITY TO, ON CHROMOSOME 12q24. Identifiers: Orphanet 220460, MedGen C3554460, MONDO:0014038, OMIM 615083.

Submission:

Labcorp Genetics (formerly Invitae), Labcorp
Classification: Uncertain significance for Colorectal cancer, susceptibility to, 12. Last evaluated: 2019-06-07. Review status: criteria provided, single submitter. Criteria: Invitae Variant Classification Sherloc (09022015). Collection method: clinical testing. Allele origin: germline.
Comment: This variant is a gross duplication of the genomic region encompassing exons 1-45 of the POLE gene. The 5' end of this event is unknown as it extends beyond the assayed region for this gene and therefore may encompass additional genes. The 3' boundary is likely confined to intron 45 of the POLE gene. The exact location of this variant in the genome is unknown. This variant has not been reported in the literature in individuals with a POLE-related disease. In summary, the genomic location of this duplication is unknown and the impact of this variant on POLE protein function has not been established. Therefore, it has been classified as a Variant of Uncertain Significance.